The following is an entry in ClinVar:

NM_000085.5(CLCNKB):c.656-140CCCTC[3]

Genes: CLCNKB (chloride voltage-gated channel Kb; plus strand), LOC106501713 (CLCNKB recombination region; plus strand). Cytogenetic location: 1p36.13.
Variant type: Microsatellite.
Coding change: c.656-140CCCTC[3] on transcript NM_000085.5 (MANE Select); three copies in a row of the 5-base unit CCCTC starting at c.656-140.
Molecular consequence: intron variant. On other transcripts: frameshift variant (1).
Genome position: GRCh38 VCF-style: chr1-16048979-G-GCCCTC. GRCh37 (hg19) VCF-style: chr1-16375474-G-GCCCTC.
Other names: c.15_19dup, p.Leu7fs (NM_001165945.2); c.656-134_656-130dupCCTCC (NM_000085.5); short protein forms L7fs.
Identifiers: ClinVar variation 3893062 (VCV003893062.3).

ClinVar aggregate classification (germline): Conflicting classifications of pathogenicity. Review status: criteria provided, conflicting classifications (1 of 4 stars). 3 submissions from 3 submitters: Likely pathogenic (2); Uncertain significance (1). Last evaluated 2026-05-06.

Conditions:
Renal tubulopathies.
Bartter disease type 3. Also called: Bartter syndrome type 3. Identifiers: Orphanet 112, Orphanet 93605, MedGen C1846343, MONDO:0011822, OMIM 607364.
Bartter disease type 4B. Also called: BARTTER SYNDROME, TYPE 4B; BARTTER SYNDROME, TYPE 4B, NEONATAL, WITH SENSORINEURAL DEAFNESS; Bartter syndrome, type 4b, digenic. Identifiers: Orphanet 112, MedGen C4310805, MONDO:0000909, OMIM 613090.

Submissions (3):

Genetics Laboratory, Great Ormond Street Hospital NHS Foundation Trust, North Thames Genomic Laboratory Hub
Classification: Uncertain significance for Renal tubulopathies. Last evaluated: 2026-05-06. Review status: criteria provided, single submitter. Criteria: ACGS Best Practice Guidelines for Variant Classification in Rare Disease 2024 v1.2. Collection method: clinical testing. Allele origin: germline. Affected: yes.
Comment: BS2_strong, PVS1_very-strong

First Genomix Gene Laboratory, Genetic Diagnostics Department
Classification: Likely pathogenic for Bartter disease type 3. Last evaluated: 2025-06-19. Review status: criteria provided, single submitter. Criteria: ACMG Guidelines, 2015. Collection method: clinical testing. Allele origin: germline. Inheritance: Autosomal recessive inheritance. Affected: no. Observed: 1 variant allele.

Department of Pathology and Laboratory Medicine, Sinai Health System
Classification: Likely pathogenic for Bartter disease type 3; Bartter disease type 4B. Last evaluated: 2022-05-16. Review status: criteria provided, single submitter. Criteria: ACMG Guidelines, 2015. Collection method: research. Allele origin: germline.